The following is an entry in ClinVar:

ClinVar aggregate classification (germline): Uncertain significance (1 of 4 stars; one submission).

Conditions:
MAGEL2-related disorder. Also called: MAGEL2-related condition.

Submission:

PreventionGenetics, part of Exact Sciences
Classification: Uncertain significance for MAGEL2-related condition. Last evaluated: 2025-10-15. Review status: criteria provided, single submitter. Criteria: ACMG Guidelines, 2015. Collection method: clinical testing. Allele origin: germline.
Comment: The MAGEL2 c.1049A>G variant is predicted to result in the amino acid substitution p.Gln350Arg. To our knowledge, this variant has not been reported in the literature or in a large population database (gnomAD), indicating this variant is rare. At this time, the clinical significance of this variant is uncertain due to the absence of conclusive functional and genetic evidence.

NM_019066.5(MAGEL2):c.1049A>G (p.Gln350Arg)

Gene: MAGEL2 (MAGE family member L2; minus strand). Cytogenetic location: 15q11.2.
Variant type: single nucleotide variant.
Coding change: c.1049A>G on transcript NM_019066.5 (MANE Select); coding-DNA position 1049, A replaced by G.
Protein change: p.Gln350Arg; replaces glutamine 350 with arginine.
Molecular consequence: missense variant.
Genome position (GRCh38, 1-based): chr15:23,646,694, T>C on the plus strand (A>G on the coding strand, the complement: MAGEL2 is on the minus strand). VCF-style: chr15-23646694-T-C. GRCh37 (hg19) VCF-style: chr15-23891841-T-C.
Other names: short protein forms Q350R.
Identifiers: ClinVar variation 4995361 (VCV004995361.1).